The following is an entry in ClinVar:

ClinVar aggregate classification (germline): Uncertain significance. Review status: criteria provided, multiple submitters, no conflicts (2 of 4 stars). 2 submissions from 2 submitters: Uncertain significance (2). Last evaluated 2026-07-02.

Conditions:
Inborn genetic diseases. Identifiers: MedGen C0950123, MeSH D030342.
Malignant hyperthermia, susceptibility to, 5 (MHS5). Also called: CACNA1S-Related Malignant Hyperthermia Susceptibility. Identifiers: Orphanet 423, MedGen C1866077, MONDO:0011163, OMIM 601887.

Allele frequency attached by ClinVar (database versions not stated): gnomAD exomes below 0.00001; gnomAD 0.00001.
gnomAD v4.1: 4 of 1,613,982 alleles (0.00025%); highest among the groups gnomAD compares: Non-Finnish European, 0.00034%; no homozygotes.

Submissions (2):

Ambry Genetics
Classification: Uncertain significance for Inborn genetic diseases. Last evaluated: 2026-07-02. Review status: criteria provided, single submitter. Criteria: Ambry Variant Classification Scheme 2023. Collection method: clinical testing. Allele origin: germline.
Comment: The p.S81A variant (also known as c.241T>G), located in coding exon 2 of the CACNA1S gene, results from a T to G substitution at nucleotide position 241. The serine at codon 81 is replaced by alanine, an amino acid with similar properties. This amino acid position is conserved. In addition, this alteration is predicted to be tolerated by in silico analysis. Based on the available evidence, the clinical significance of this variant remains unclear.

All of Us Research Program, National Institutes of Health
Classification: Uncertain significance for Malignant hyperthermia, susceptibility to, 5. Last evaluated: 2023-03-28. Review status: criteria provided, single submitter. Criteria: ACMG Guidelines, 2015. Collection method: clinical testing. Allele origin: germline. Inheritance: Autosomal dominant inheritance. Observed: 1 variant allele, 1 heterozygote.
Comment: This study involves interpretation of variants in research participants for the purpose of population health screening. Participant phenotype was not available at the time of variant classification. Additional details can be found in publication PMID: 35346344, PMCID: PMC8962531

NM_000069.3(CACNA1S):c.241T>G (p.Ser81Ala)

Gene: CACNA1S (calcium voltage-gated channel subunit alpha1 S; minus strand). Cytogenetic location: 1q32.1.
Variant type: single nucleotide variant.
Coding change: c.241T>G on transcript NM_000069.3 (MANE Select); coding-DNA position 241, T replaced by G.
Protein change: p.Ser81Ala; replaces serine 81 with alanine.
Molecular consequence: missense variant.
Genome position (GRCh38, 1-based): chr1:201,110,181, A>C on the plus strand (T>G on the coding strand, the complement: CACNA1S is on the minus strand). VCF-style: chr1-201110181-A-C. GRCh37 (hg19) VCF-style: chr1-201079309-A-C.
Other names: c.241T>G (NM_000069.2); short protein forms S81A.
Identifiers: ClinVar variation 3069995 (VCV003069995.2), dbSNP rs1396542342, ClinGen allele CA344155704.